The following is an entry in ClinVar:

ClinVar aggregate classification (germline): Uncertain significance. Review status: criteria provided, multiple submitters, no conflicts (2 of 4 stars). 2 submissions from 2 submitters: Uncertain significance (2). Last evaluated 2025-11-17.

Conditions:
SLC4A11-related disorder. Also called: SLC4A11-related condition.

Allele frequency attached by ClinVar (database versions not stated): TOPMed 0.00002; gnomAD 0.00003; gnomAD exomes 0.00005; ExAC 0.00011.

Submissions (2):

PreventionGenetics, part of Exact Sciences
Classification: Uncertain significance for SLC4A11-related condition. Last evaluated: 2025-11-17. Review status: criteria provided, single submitter. Criteria: ACMG Guidelines, 2015. Collection method: clinical testing. Allele origin: germline.
Comment: The SLC4A11 c.626G>A variant is predicted to result in the amino acid substitution p.Arg209Gln. To our knowledge, this variant has not been reported in the literature. This variant is reported in 0.059% of alleles in individuals of South Asian descent in gnomAD. Similar variant at the same codon p.Arg209Trp has been observed in individuals with congenital hereditary endothelial dystrophy (Alka et al. 2018. PubMed ID: 29327391; Sultana et al. 2007. PubMed ID: 17679935; Brejchova et al. 2019. PubMed ID: 31323090). At this time, the clinical significance of this variant is uncertain due to the absence of conclusive functional and genetic evidence.

Labcorp Genetics (formerly Invitae), Labcorp
Classification: Uncertain significance. Last evaluated: 2024-10-16. Review status: criteria provided, single submitter. Criteria: Invitae Variant Classification Sherloc (09022015). Collection method: clinical testing. Allele origin: germline.
Comment: This sequence change replaces arginine, which is basic and polar, with glutamine, which is neutral and polar, at codon 209 of the SLC4A11 protein (p.Arg209Gln). This variant is present in population databases (rs764591657, gnomAD 0.06%). This variant has not been reported in the literature in individuals affected with SLC4A11-related conditions. ClinVar contains an entry for this variant (Variation ID: 2145081). Invitae Evidence Modeling of protein sequence and biophysical properties (such as structural, functional, and spatial information, amino acid conservation, physicochemical variation, residue mobility, and thermodynamic stability) indicates that this missense variant is not expected to disrupt SLC4A11 protein function with a negative predictive value of 95%. This variant disrupts the p.Arg209 amino acid residue in SLC4A11. Other variant(s) that disrupt this residue have been determined to be pathogenic (PMID: 17679935, 29327391, 31323090). This suggests that this residue is clinically significant, and that variants that disrupt this residue are likely to be disease-causing. In summary, the available evidence is currently insufficient to determine the role of this variant in disease. Therefore, it has been classified as a Variant of Uncertain Significance.

Literature cited by the submitters: PubMed 17679935 (cited by Labcorp Genetics (formerly Invitae), Labcorp); PubMed 29327391 (cited by Labcorp Genetics (formerly Invitae), Labcorp); PubMed 31323090 (cited by Labcorp Genetics (formerly Invitae), Labcorp).

NM_001174089.2(SLC4A11):c.578G>A (p.Arg193Gln)

Gene: SLC4A11 (solute carrier family 4 member 11; minus strand). Cytogenetic location: 20p13.
Variant type: single nucleotide variant.
Coding change: c.578G>A on transcript NM_001174089.2 (MANE Select); coding-DNA position 578, G replaced by A.
Protein change: p.Arg193Gln; replaces arginine 193 with glutamine.
Molecular consequence: missense variant. On other transcripts: non-coding transcript variant (3).
Genome position (GRCh38, 1-based): chr20:3,233,948, C>T on the plus strand (G>A on the coding strand, the complement: SLC4A11 is on the minus strand). VCF-style: chr20-3233948-C-T. GRCh37 (hg19) VCF-style: chr20-3214594-C-T.
Other names: c.707G>A, p.Arg236Gln (NM_001174090.2, NM_001400280.1); c.578G>A, p.Arg193Gln (NM_001363745.2); c.521G>A, p.Arg174Gln (NM_001400277.1, NM_001400278.1, NM_001400279.1); c.626G>A, p.Arg209Gln (NM_032034.4); c.626G>A (NM_032034.3); short protein forms R209Q, R174Q, R193Q, R236Q.
Identifiers: ClinVar variation 2145081 (VCV002145081.3), dbSNP rs764591657, ClinGen allele CA9742227.